The following is an entry in ClinVar:

NM_017841.4(SDHAF2):c.89C>G (p.Ser30Ter)

Gene: SDHAF2 (succinate dehydrogenase complex assembly factor 2; plus strand). Cytogenetic location: 11q12.2.
Variant type: single nucleotide variant.
Coding change: c.89C>G on transcript NM_017841.4 (MANE Select); coding-DNA position 89, C replaced by G.
Protein change: p.Ser30Ter; replaces serine 30 with a stop codon.
Molecular consequence: nonsense.
Genome position (GRCh38, 1-based): chr11:61,437,677, C>G. VCF-style: chr11-61437677-C-G. GRCh37 (hg19) VCF-style: chr11-61205149-C-G.
Other names: short protein forms S30*.
Identifiers: ClinVar variation 2018877 (VCV002018877.4), dbSNP rs2540124080, ClinGen allele CA380682984.

ClinVar aggregate classification (germline): Pathogenic (1 of 4 stars; one submission).

Conditions:
Hereditary pheochromocytoma and paraganglioma. Also called: Hereditary paragangliomas and pheochromocytomas; Hereditary Paraganglioma-Pheochromocytoma Syndromes; Hereditary pheochromocytoma-paraganglioma. Identifiers: Orphanet 29072, MedGen C4274332, MONDO:0017366.

Submission:

Labcorp Genetics (formerly Invitae), Labcorp
Classification: Pathogenic for Hereditary pheochromocytoma and paraganglioma. Last evaluated: 2022-07-22. Review status: criteria provided, single submitter. Criteria: Invitae Variant Classification Sherloc (09022015). Collection method: clinical testing. Allele origin: germline.
Comment: This variant is not present in population databases (gnomAD no frequency). For these reasons, this variant has been classified as Pathogenic. This variant has not been reported in the literature in individuals affected with SDHAF2-related conditions. This sequence change creates a premature translational stop signal (p.Ser30*) in the SDHAF2 gene. It is expected to result in an absent or disrupted protein product. Loss-of-function variants in SDHAF2 are known to be pathogenic (PMID: 22241717, 26096992).

Literature cited by the submitters: PubMed 22241717; PubMed 26096992.